The following is an entry in ClinVar:

ClinVar aggregate classification (germline): Conflicting classifications of pathogenicity. Review status: criteria provided, conflicting classifications (1 of 4 stars). 3 submissions from 3 submitters: Uncertain significance (2); Likely benign (1). Last evaluated 2026-01-01.

Conditions:
Inborn genetic diseases. Identifiers: MedGen C0950123, MeSH D030342.

Allele frequency attached by ClinVar (database versions not stated): ExAC 0.00033; ESP Exome Variant Server 0.00046; 1000 Genomes Project 30x 0.00078; TOPMed 0.00082; gnomAD 0.00085; 1000 Genomes Project 0.00100.
gnomAD v4.1: 244 of 1,613,796 alleles (0.015%); highest among the groups gnomAD compares: African/African-American, 0.31%; 1 homozygote.

Submissions (3):

CeGaT Center for Human Genetics Tuebingen
Classification: Likely benign. Last evaluated: 2026-01-01. Review status: criteria provided, single submitter. Criteria: CeGaT Center For Human Genetics Tuebingen Variant Classification Criteria Version 2. Collection method: clinical testing. Allele origin: germline. Affected: yes. Observed: 1 variant allele.
Comment: FLG: BP4

Ambry Genetics
Classification: Uncertain significance for Inborn genetic diseases. Last evaluated: 2024-01-23. Review status: criteria provided, single submitter. Criteria: Ambry Variant Classification Scheme 2023. Collection method: clinical testing. Allele origin: germline.

Breakthrough Genomics
Classification: Uncertain significance. Review status: criteria provided, single submitter. Criteria: ACMG Guidelines, 2015. Collection method: not provided. Allele origin: germline. Inheritance: Autosomal recessive inheritance. Affected: yes.

NM_002016.2(FLG):c.4573C>G (p.Gln1525Glu)

Genes: CCDST (cervical cancer associated DHX9 suppressive transcript; plus strand), FLG (filaggrin; minus strand). Cytogenetic location: 1q21.3.
Variant type: single nucleotide variant.
Coding change: c.4573C>G on transcript NM_002016.2 (MANE Select); coding-DNA position 4573, C replaced by G.
Protein change: p.Gln1525Glu; replaces glutamine 1525 with glutamic acid.
Molecular consequence: missense variant.
Genome position (GRCh38, 1-based): chr1:152,310,313, G>C on the plus strand (C>G on the coding strand, the complement: FLG is on the minus strand). VCF-style: chr1-152310313-G-C. GRCh37 (hg19) VCF-style: chr1-152282789-G-C.
Other names: short protein forms Q1525E.
Identifiers: ClinVar variation 2270967 (VCV002270967.7), dbSNP rs147929070, ClinGen allele CA1106161.
Genomic context (GRCh38, chr1:152,310,313, plus strand): 5'-TTGTTTGCCTGCTTGCACTTCTGGGTCCTGACTGCCCATGGGAGGCATCAGACCTTCCCT[G>C]GGGTGTGGTGTGGCTGTGATGGTACCCTGAGTGTCCAGACCTATCTACTGATTGCTCGTG-3'
Protein context (NP_002007.1, residues 1515-1535): SGYHHSHTTP[Gln1525Glu]GRSDASHGQS